The following is an entry in ClinVar:

ClinVar aggregate classification (germline): Conflicting classifications of pathogenicity. Review status: criteria provided, conflicting classifications (1 of 4 stars). 4 submissions from 4 submitters: Uncertain significance (3); Likely benign (1). Last evaluated 2025-12-01.

Conditions:
Inborn genetic diseases. Identifiers: MedGen C0950123, MeSH D030342.

Allele frequency attached by ClinVar (database versions not stated): TOPMed 0.00003; gnomAD 0.00005; ESP Exome Variant Server 0.00008; 1000 Genomes Project 30x 0.00016; 1000 Genomes Project 0.00020.
gnomAD v4.1: 80 of 1,614,112 alleles (0.005%); highest among the groups gnomAD compares: Non-Finnish European, 0.0065%; no homozygotes.

Submissions (4):

Women's Health and Genetics/Laboratory Corporation of America, LabCorp
Classification: Uncertain significance. Last evaluated: 2025-12-01. Review status: criteria provided, single submitter. Criteria: LabCorp Variant Classification Summary - May 2015. Collection method: clinical testing. Allele origin: germline.
Comment: Variant summary: ANKRD26 c.167C>T (p.Ala56Val) results in a non-conservative amino acid change in the encoded protein sequence. Algorithms developed to predict the effect of missense changes on protein structure and function are either unavailable or do not agree on the potential impact of this missense change. The variant allele was found at a frequency of 1.6e-05 in 249510 control chromosomes. The available data on variant occurrences in the general population are insufficient to allow any conclusion about variant significance. To our knowledge, no occurrence of c.167C>T in individuals affected with ANKRD26-related conditions and no experimental evidence demonstrating its impact on protein function have been reported. ClinVar contains an entry for this variant (Variation ID: 1810625). Based on the evidence outlined above, the variant was classified as uncertain significance.

Labcorp Genetics (formerly Invitae), Labcorp
Classification: Uncertain significance. Last evaluated: 2025-07-30. Review status: criteria provided, single submitter. Criteria: Invitae Variant Classification Sherloc (09022015). Collection method: clinical testing. Allele origin: germline.
Comment: This sequence change replaces alanine, which is neutral and non-polar, with valine, which is neutral and non-polar, at codon 56 of the ANKRD26 protein (p.Ala56Val). This variant is present in population databases (rs372500899, gnomAD 0.003%). This variant has not been reported in the literature in individuals affected with ANKRD26-related conditions. ClinVar contains an entry for this variant (Variation ID: 1810625). An algorithm developed to predict the effect of missense changes on protein structure and function outputs the following: PolyPhen-2: "Benign". The valine amino acid residue is found in multiple mammalian species, which suggests that this missense change does not adversely affect protein function. In summary, the available evidence is currently insufficient to determine the role of this variant in disease. Therefore, it has been classified as a Variant of Uncertain Significance.

Ambry Genetics
Classification: Likely benign for Inborn genetic diseases. Last evaluated: 2024-12-13. Review status: criteria provided, single submitter. Criteria: Ambry Variant Classification Scheme 2023. Collection method: clinical testing. Allele origin: germline.

GeneDx
Classification: Uncertain significance. Last evaluated: 2022-07-06. Review status: criteria provided, single submitter. Criteria: GeneDx Variant Classification Process June 2021. Collection method: clinical testing. Allele origin: germline. Affected: yes.
Comment: In silico analysis supports that this missense variant does not alter protein structure/function; Has not been previously published as pathogenic or benign to our knowledge

NM_014915.3(ANKRD26):c.167C>T (p.Ala56Val)

Gene: ANKRD26 (ankyrin repeat domain 26; minus strand). Cytogenetic location: 10p12.1.
Variant type: single nucleotide variant.
Coding change: c.167C>T on transcript NM_014915.3 (MANE Select); coding-DNA position 167, C replaced by T.
Protein change: p.Ala56Val; replaces alanine 56 with valine.
Molecular consequence: missense variant.
Genome position (GRCh38, 1-based): chr10:27,100,160, G>A on the plus strand (C>T on the coding strand, the complement: ANKRD26 is on the minus strand). VCF-style: chr10-27100160-G-A. GRCh37 (hg19) VCF-style: chr10-27389089-G-A.
Other names: c.167C>T, p.Ala56Val (NM_001256053.2); short protein forms A56V.
Identifiers: ClinVar variation 1810625 (VCV001810625.8), dbSNP rs372500899, ClinGen allele CA204453476.